The following is an entry in ClinVar:

ClinVar aggregate classification (germline): Uncertain significance (1 of 4 stars; one submission).

Submission:

Labcorp Genetics (formerly Invitae), Labcorp
Classification: Uncertain significance. Last evaluated: 2023-07-06. Review status: criteria provided, single submitter. Criteria: Invitae Variant Classification Sherloc (09022015). Collection method: clinical testing. Allele origin: germline.
Comment: In summary, the available evidence is currently insufficient to determine the role of this variant in disease. Therefore, it has been classified as a Variant of Uncertain Significance. An algorithm developed to predict the effect of missense changes on protein structure and function (PolyPhen-2) suggests that this variant is likely to be disruptive. This variant has not been reported in the literature in individuals affected with HMCN1-related conditions. This variant is not present in population databases (gnomAD no frequency). This sequence change replaces tyrosine, which is neutral and polar, with phenylalanine, which is neutral and non-polar, at codon 658 of the HMCN1 protein (p.Tyr658Phe).

NM_031935.3(HMCN1):c.1973A>T (p.Tyr658Phe)

Gene: HMCN1 (hemicentin 1; plus strand). Cytogenetic location: 1q31.1.
Variant type: single nucleotide variant.
Coding change: c.1973A>T on transcript NM_031935.3 (MANE Select); coding-DNA position 1973, A replaced by T.
Protein change: p.Tyr658Phe; replaces tyrosine 658 with phenylalanine.
Molecular consequence: missense variant.
Genome position (GRCh38, 1-based): chr1:185,963,770, A>T. VCF-style: chr1-185963770-A-T. GRCh37 (hg19) VCF-style: chr1-185932902-A-T.
Other names: short protein forms Y658F.
Identifiers: ClinVar variation 2736425 (VCV002736425.3), dbSNP rs370251638, ClinGen allele CA343875430.